The following is an entry in ClinVar:

ClinVar aggregate classification (germline): Uncertain significance (1 of 4 stars; one submission).

gnomAD v4.1: 1 of 1,613,022 alleles (0.000062%); no homozygotes.

Submission:

Women's Health and Genetics/Laboratory Corporation of America, LabCorp
Classification: Uncertain significance. Last evaluated: 2022-11-29. Review status: criteria provided, single submitter. Criteria: LabCorp Variant Classification Summary - May 2015. Collection method: clinical testing. Allele origin: germline.
Comment: Variant summary: TTN c.22516G>A (p.Gly7506Ser) results in a non-conservative amino acid change located in the I-band region of the encoded protein sequence. Three of four in-silico tools predict a damaging effect of the variant on protein function. The variant was absent in 247874 control chromosomes. The available data on variant occurrences in the general population are insufficient to allow any conclusion about variant significance. To our knowledge, no occurrence of c.22516G>A in individuals affected with TTN-Related Disorders and no experimental evidence demonstrating its impact on protein function have been reported. No clinical diagnostic laboratories have submitted clinical-significance assessments for this variant to ClinVar after 2014. Based on the evidence outlined above, the variant was classified as uncertain significance.

NM_001267550.2(TTN):c.26248G>A (p.Gly8750Ser)

Gene: TTN (titin; minus strand). Cytogenetic location: 2q31.2.
Variant type: single nucleotide variant.
Coding change: c.26248G>A on transcript NM_001267550.2 (MANE Select); coding-DNA position 26248, G replaced by A.
Protein change: p.Gly8750Ser; replaces glycine 8750 with serine.
Molecular consequence: missense variant. On other transcripts: intron variant (3).
Genome position (GRCh38, 1-based): chr2:178,714,526, C>T on the plus strand (G>A on the coding strand, the complement: TTN is on the minus strand). VCF-style: chr2-178714526-C-T. GRCh37 (hg19) VCF-style: chr2-179579253-C-T.
Other names: c.25297G>A, p.Gly8433Ser (NM_001256850.1); c.22516G>A, p.Gly7506Ser (NM_133378.4); c.13282+23556G>A (NM_003319.4); c.13858+23556G>A (NM_133437.4); c.13657+23556G>A (NM_133432.3); short protein forms G7506S, G8433S, G8750S.
Identifiers: ClinVar variation 1804850 (VCV001804850.1), dbSNP rs757423560, ClinGen allele CA349472041.